The following is an entry in ClinVar:

ClinVar aggregate classification (germline): Pathogenic/Likely pathogenic. Review status: criteria provided, multiple submitters, no conflicts (2 of 4 stars). 2 submissions from 2 submitters: Pathogenic (1); Likely pathogenic (1). Last evaluated 2024-03-04.

Conditions:
Pontocerebellar hypoplasia type 1A (PCH1A). Also called: PONTOCEREBELLAR HYPOPLASIA WITH ANTERIOR HORN CELL DISEASE; PONTOCEREBELLAR HYPOPLASIA WITH INFANTILE SPINAL MUSCULAR ATROPHY. Identifiers: Orphanet 2254, Orphanet 88616, MedGen C1843504, MONDO:0011866, OMIM 607596.

gnomAD v4.1: 8 of 1,613,514 alleles (0.0005%); highest among the groups gnomAD compares: Non-Finnish European, 0.00068%; no homozygotes.

Submissions (2):

Natera, Inc.
Classification: Likely pathogenic for Pontocerebellar hypoplasia, type 1a. Last evaluated: 2024-03-04. Review status: criteria provided, single submitter. Criteria: Natera Variant Classification Schema (03/2026). Collection method: clinical testing. Allele origin: germline.
Comment: The c.810T>G variant in VRK1 is a nonsense variant predicted to introduce a stop codon at amino acid 270. This variant is expected to result in nonsense mediated decay, truncation, or a dysfunctional protein product. This variant is rare in the general population with a frequency below the threshold expected for the associated phenotype(s). Given the available evidence, this variant is classified as Likely Pathogenic.

Labcorp Genetics (formerly Invitae), Labcorp
Classification: Pathogenic for Pontocerebellar hypoplasia type 1A. Last evaluated: 2023-08-27. Review status: criteria provided, single submitter. Criteria: Invitae Variant Classification Sherloc (09022015). Collection method: clinical testing. Allele origin: germline.
Comment: For these reasons, this variant has been classified as Pathogenic. Algorithms developed to predict the effect of sequence changes on RNA splicing suggest that this variant may disrupt the consensus splice site. This variant has not been reported in the literature in individuals affected with VRK1-related conditions. This variant is not present in population databases (gnomAD no frequency). This sequence change creates a premature translational stop signal (p.Tyr270*) in the VRK1 gene. It is expected to result in an absent or disrupted protein product. Loss-of-function variants in VRK1 are known to be pathogenic (PMID: 19646678, 24126608, 27281532).

Literature cited by the submitters: PubMed 19646678 (cited by Labcorp Genetics (formerly Invitae), Labcorp); PubMed 24126608 (cited by Labcorp Genetics (formerly Invitae), Labcorp); PubMed 27281532 (cited by Labcorp Genetics (formerly Invitae), Labcorp).

NM_003384.3(VRK1):c.810T>G (p.Tyr270Ter)

Gene: VRK1 (VRK serine/threonine kinase 1; plus strand). Cytogenetic location: 14q32.2.
Variant type: single nucleotide variant.
Coding change: c.810T>G on transcript NM_003384.3 (MANE Select); coding-DNA position 810, T replaced by G.
Protein change: p.Tyr270Ter; replaces tyrosine 270 with a stop codon.
Molecular consequence: nonsense.
Genome position (GRCh38, 1-based): chr14:96,856,230, T>G. VCF-style: chr14-96856230-T-G. GRCh37 (hg19) VCF-style: chr14-97322567-T-G.
Other names: c.810T>G, p.Tyr270Ter (NM_001411051.1, NM_001411053.1); c.810T>G (NM_003384.2); short protein forms Y270*.
Identifiers: ClinVar variation 2977153 (VCV002977153.4), dbSNP rs943810223, ClinGen allele CA390931587.